The following is an entry in ClinVar:

ClinVar aggregate classification (germline): Pathogenic. Review status: criteria provided, multiple submitters, no conflicts (2 of 4 stars). 2 submissions from 2 submitters: Pathogenic (2). Last evaluated 2025-07-22.

Conditions:
Cockayne spectrum with or without cerebrooculofacioskeletal syndrome. Identifiers: MedGen CN315928, MONDO:0100506.

Submissions (2):

Myriad Genetics, Inc.
Classification: Pathogenic for Cockayne spectrum with or without cerebrooculofacioskeletal syndrome. Last evaluated: 2025-07-22. Review status: criteria provided, single submitter. Criteria: Myriad Autosomal Dominant, Autosomal Recessive and X-Linked Classification Criteria (2023). Collection method: clinical testing. Allele origin: unknown.
Comment: NM_000124.2(ERCC6):c.255delT(S86Afs*62) is expected to be pathogenic in the context of ERCC6-related disorders. This variant is predicted to lead to an abnormal or absent protein product due to the creation of a premature termination codon in ERCC6, a gene where loss-of-function variants are known to be pathogenic. Please note: this variant was assessed in the context of healthy population screening.

Labcorp Genetics (formerly Invitae), Labcorp
Classification: Pathogenic. Last evaluated: 2023-07-28. Review status: criteria provided, single submitter. Criteria: Invitae Variant Classification Sherloc (09022015). Collection method: clinical testing. Allele origin: germline.
Comment: For these reasons, this variant has been classified as Pathogenic. This variant has not been reported in the literature in individuals affected with ERCC6-related conditions. This variant is not present in population databases (gnomAD no frequency). This sequence change creates a premature translational stop signal (p.Ser86Alafs*62) in the ERCC6 gene. It is expected to result in an absent or disrupted protein product. Loss-of-function variants in ERCC6 are known to be pathogenic (PMID: 18628313, 29572252).

Literature cited by the submitters: PubMed 18628313 (cited by Labcorp Genetics (formerly Invitae), Labcorp); PubMed 29572252 (cited by Labcorp Genetics (formerly Invitae), Labcorp).

NM_000124.4(ERCC6):c.255del (p.Ser86fs)

Gene: ERCC6 (ERCC excision repair 6, chromatin remodeling factor; minus strand). Cytogenetic location: 10q11.23.
Variant type: Deletion.
Coding change: c.255del on transcript NM_000124.4 (MANE Select); coding-DNA position 255, one base deleted (T; older notation c.255delT).
Protein change: p.Ser86fs; shifts the reading frame from serine 86.
Molecular consequence: frameshift variant.
Genome position (GRCh38, 1-based): chr10:49,532,710, A deleted on the plus strand (T on the coding strand, the reverse complement: ERCC6 is on the minus strand). VCF-style (leftmost placement, unchanged base first): chr10-49532709-TA-T. GRCh37 (hg19) VCF-style: chr10-50740755-TA-T.
Other names: c.255del, p.Ser86fs (NM_001277058.2, NM_001277059.2, NM_001346440.2); short protein forms S86fs.
Identifiers: ClinVar variation 2824892 (VCV002824892.4), dbSNP rs2496173866, ClinGen allele CA1139770511.
Genomic context (GRCh38, chr10:49,532,709, plus strand): 5'-CCAGCACGTCCTGGTCATAGACGTCCACACCCAAACCCTGCAGCTCAAGGGCCTGGGCGC[TA>T]GGCTCTACTGCCTGGATCTGATGTCGGTCGATGTGCAGCAGGGCTGGCCCTCTCCTCGGA-3'